The following is an entry in ClinVar:

NM_001130987.2(DYSF):c.1225C>G (p.Arg409Gly)

Gene: DYSF (dysferlin; plus strand). Cytogenetic location: 2p13.2.
Variant type: single nucleotide variant.
Coding change: c.1225C>G on transcript NM_001130987.2 (MANE Select); coding-DNA position 1225, C replaced by G.
Protein change: p.Arg409Gly; replaces arginine 409 with glycine.
Molecular consequence: missense variant.
Genome position (GRCh38, 1-based): chr2:71,526,295, C>G. VCF-style: chr2-71526295-C-G. GRCh37 (hg19) VCF-style: chr2-71753425-C-G.
Other names: c.1132C>G, p.Arg378Gly (NM_001130455.2, NM_001130983.2, NM_001130984.2 and 1 more transcripts); c.1129C>G, p.Arg377Gly (NM_001130976.2, NM_001130977.2, NM_001130978.2 and 1 more transcripts); c.1222C>G, p.Arg408Gly (NM_001130979.2, NM_001130980.2, NM_001130981.2); c.1225C>G, p.Arg409Gly (NM_001130982.2, NM_001130985.2); short protein forms R377G, R378G, R408G, R409G.
Identifiers: ClinVar variation 3336314 (VCV003336314.1).

ClinVar aggregate classification (germline): Uncertain significance (1 of 4 stars; one submission).

gnomAD v4.1: 1 of 1,614,196 alleles (0.000062%); highest among the groups gnomAD compares: Non-Finnish European, 0.000085%; no homozygotes.

Submission:

Women's Health and Genetics/Laboratory Corporation of America, LabCorp
Classification: Uncertain significance. Last evaluated: 2024-05-29. Review status: criteria provided, single submitter. Criteria: LabCorp Variant Classification Summary - May 2015. Collection method: clinical testing. Allele origin: germline.
Comment: Variant summary: DYSF c.1129C>G (p.Arg377Gly) results in a non-conservative amino acid change located in the C2 domain (IPR000008) of the encoded protein sequence. Five of five in-silico tools predict a damaging effect of the variant on protein function. The variant allele was found at a frequency of 4e-06 in 251406 control chromosomes. The available data on variant occurrences in the general population are insufficient to allow any conclusion about variant significance. To our knowledge, no occurrence of c.1129C>G in individuals affected with Limb-Girdle Muscular Dystrophy, Autosomal Recessive and no experimental evidence demonstrating its impact on protein function have been reported. No submitters have cited clinical-significance assessments for this variant to ClinVar. Based on the evidence outlined above, the variant was classified as uncertain significance.